The following is an entry in ClinVar:

ClinVar aggregate classification (germline): Uncertain significance (1 of 4 stars; one submission).

Conditions:
Schuurs-Hoeijmakers syndrome. Also called: PACS1-Related Neurodevelopmental Disorder. Identifiers: Orphanet 329224, MedGen C3554343, MONDO:0014006, OMIM 615009.

Submission:

Labcorp Genetics (formerly Invitae), Labcorp
Classification: Uncertain significance for Schuurs-Hoeijmakers syndrome. Last evaluated: 2022-02-27. Review status: criteria provided, single submitter. Criteria: Invitae Variant Classification Sherloc (09022015). Collection method: clinical testing. Allele origin: germline.
Comment: In summary, the available evidence is currently insufficient to determine the role of this variant in disease. Therefore, it has been classified as a Variant of Uncertain Significance. Algorithms developed to predict the effect of missense changes on protein structure and function are either unavailable or do not agree on the potential impact of this missense change (SIFT: "Tolerated"; PolyPhen-2: "Possibly Damaging"; Align-GVGD: "Class C0"). This variant has not been reported in the literature in individuals affected with PACS1-related conditions. This variant is not present in population databases (gnomAD no frequency). This sequence change replaces serine, which is neutral and polar, with isoleucine, which is neutral and non-polar, at codon 164 of the PACS1 protein (p.Ser164Ile).

NM_018026.4(PACS1):c.491G>T (p.Ser164Ile)

Gene: PACS1 (phosphofurin acidic cluster sorting protein 1; plus strand). Cytogenetic location: 11q13.2.
Variant type: single nucleotide variant.
Coding change: c.491G>T on transcript NM_018026.4 (MANE Select); coding-DNA position 491, G replaced by T.
Protein change: p.Ser164Ile; replaces serine 164 with isoleucine.
Molecular consequence: missense variant.
Genome position (GRCh38, 1-based): chr11:66,210,408, G>T. VCF-style: chr11-66210408-G-T. GRCh37 (hg19) VCF-style: chr11-65977879-G-T.
Other names: short protein forms S164I.
Identifiers: ClinVar variation 2103825 (VCV002103825.4), dbSNP rs2495537211, ClinGen allele CA381339355.